The following is an entry in ClinVar:

ClinVar aggregate classification (germline): Uncertain significance. Review status: criteria provided, multiple submitters, no conflicts (2 of 4 stars). 6 submissions from 6 submitters: Uncertain significance (6). Last evaluated 2025-10-07.

Conditions:
Hereditary breast ovarian cancer syndrome. Also called: Breast and ovarian cancer; Hereditary breast and/or ovarian cancer syndrome; BRCA1- and BRCA2-Associated Hereditary Breast and Ovarian Cancer; Hereditary breast and ovarian cancer syndrome; Hereditary breast and ovarian cancer syndrome (HBOC); Hereditary breast and ovarian cancer. Identifiers: Orphanet 145, MedGen C0677776, MeSH D061325, MONDO:0003582. Disease mechanism: loss of function.
BRCA1-related cancer predisposition. Identifiers: MedGen CN377757, MONDO:0700268.
Hereditary cancer-predisposing syndrome. Also called: Tumor predisposition; Hereditary Cancer Syndrome; Hereditary neoplastic syndrome; Neoplastic Syndromes, Hereditary. Identifiers: Orphanet 140162, MedGen C0027672, MeSH D009386, MONDO:0015356.
Breast-ovarian cancer, familial, susceptibility to, 1 (BROVCA1). Also called: BRCA1 Hereditary Breast and Ovarian Cancer; OVARIAN CANCER, SUSCEPTIBILITY TO. Identifiers: Orphanet 145, MedGen C2676676, MONDO:0011450, OMIM 604370. Disease mechanism: loss of function.
Pancreatic cancer, susceptibility to, 4. Identifiers: Orphanet 1333, MedGen C3280442, MONDO:0013685, OMIM 614320.
Fanconi anemia, complementation group S (FANCS). Identifiers: MedGen C4554406, MONDO:0054748, OMIM 617883.

Allele frequency attached by ClinVar (database versions not stated): TOPMed below 0.00001.

Submissions (6):

Quest Diagnostics Nichols Institute San Juan Capistrano
Classification: Uncertain significance. Last evaluated: 2025-10-07. Review status: criteria provided, single submitter. Criteria: Quest Diagnostics criteria. Collection method: clinical testing. Allele origin: unknown.
Comment: The BRCA1 c.566A>G (p.Asp189Gly) variant has not been reported in individuals with BRCA1-related conditions in the published literature. Assessment of experimental evidence suggests this variant does not disrupt normal protein function (PMIDs: 33691754 (2021), 30219179 (2018), 25823446 (2015)). This variant has not been reported in large, multi-ethnic general populations (Genome Aggregation Database). Analysis of this variant using bioinformatics tools for the prediction of the effect of amino acid changes on protein structure and function yielded predictions that this variant is benign. Additional analysis using software algorithms for the prediction of the effect of nucleotide changes on BRCA1 mRNA splicing yielded predictions that this variant may result in the gain of a cryptic splice site without affecting the natural splice sites. Based on the available information, we are unable to determine the clinical significance of this variant.

Labcorp Genetics (formerly Invitae), Labcorp
Classification: Uncertain significance for Hereditary breast ovarian cancer syndrome. Last evaluated: 2025-09-21. Review status: criteria provided, single submitter. Criteria: Invitae Variant Classification Sherloc (09022015). Collection method: clinical testing. Allele origin: germline.
Comment: This sequence change replaces aspartic acid, which is acidic and polar, with glycine, which is neutral and non-polar, at codon 189 of the BRCA1 protein (p.Asp189Gly). This variant is not present in population databases (gnomAD no frequency). This variant has not been reported in the literature in individuals affected with BRCA1-related conditions. ClinVar contains an entry for this variant (Variation ID: 491179). Invitae Evidence Modeling of protein sequence and biophysical properties (such as structural, functional, and spatial information, amino acid conservation, physicochemical variation, residue mobility, and thermodynamic stability) indicates that this missense variant is expected to disrupt BRCA1 protein function with a positive predictive value of 80%. In summary, the available evidence is currently insufficient to determine the role of this variant in disease. Therefore, it has been classified as a Variant of Uncertain Significance.

Ambry Genetics
Classification: Uncertain significance for Hereditary cancer-predisposing syndrome. Last evaluated: 2025-08-02. Review status: criteria provided, single submitter. Criteria: Ambry Variant Classification Scheme 2023. Collection method: clinical testing. Allele origin: germline.
Comment: The p.D189G variant (also known as c.566A>G), located in coding exon 7 of the BRCA1 gene, results from an A to G substitution at nucleotide position 566. The aspartic acid at codon 189 is replaced by glycine, an amino acid with similar properties. This amino acid position is well conserved in available vertebrate species. In addition, this alteration is predicted to be deleterious by in silico analysis. Since supporting evidence is limited at this time, the clinical significance of this alteration remains unclear.

Fulgent Genetics
Classification: Uncertain significance for Breast-ovarian cancer, familial, susceptibility to, 1; Pancreatic cancer, susceptibility to, 4; Fanconi anemia, complementation group S. Last evaluated: 2024-06-04. Review status: criteria provided, single submitter. Criteria: ACMG Guidelines, 2015. Collection method: clinical testing. Allele origin: germline.

All of Us Research Program, National Institutes of Health
Classification: Uncertain significance for BRCA1-related cancer predisposition. Last evaluated: 2024-05-14. Review status: criteria provided, single submitter. Criteria: ACMG Guidelines, 2015. Collection method: clinical testing. Allele origin: germline. Inheritance: Autosomal dominant inheritance. Observed: 2 variant alleles, 2 heterozygotes.
Comment: This missense variant replaces aspartic acid with glycine at codon 189 of the BRCA1 protein. Computational prediction suggests that this variant may have deleterious impact on protein structure and function (internally defined REVEL score threshold >= 0.7, PMID: 27666373). Splice site prediction tools suggest that this variant may not impact RNA splicing. This variant is reported as functional in a high-throughput homology-mediated DNA repair assay (PMID: 30219179). This variant has not been reported in individuals affected with hereditary cancer in the literature. This variant has not been identified in the general population by the Genome Aggregation Database (gnomAD). The available evidence is insufficient to determine the role of this variant in disease conclusively. Therefore, this variant is classified as a Variant of Uncertain Significance.

This study involves interpretation of variants in research participants for the purpose of population health screening. Participant phenotype was not available at the time of variant classification. Additional details can be found in publication PMID: 35346344, PMCID: PMC8962531

Color Diagnostics, LLC DBA Color Health
Classification: Uncertain significance for Hereditary cancer-predisposing syndrome. Last evaluated: 2024-04-18. Review status: criteria provided, single submitter. Criteria: ACMG Guidelines, 2015. Collection method: clinical testing. Allele origin: germline.
Comment: This missense variant replaces aspartic acid with glycine at codon 189 of the BRCA1 protein. Computational prediction suggests that this variant may have deleterious impact on protein structure and function (internally defined REVEL score threshold >= 0.7, PMID: 27666373). To our knowledge, functional studies have not been reported for this variant. This variant has not been reported in individuals affected with BRCA1-related disorders in the literature. This variant has not been identified in the general population by the Genome Aggregation Database (gnomAD). The available evidence is insufficient to determine the role of this variant in disease conclusively. Therefore, this variant is classified as a Variant of Uncertain Significance.

Literature cited by the submitters: PubMed 30219179 (cited by Quest Diagnostics Nichols Institute San Juan Capistrano and All of Us Research Program, National Institutes of Health); PubMed 25823446 (cited by Quest Diagnostics Nichols Institute San Juan Capistrano); PubMed 33691754 (cited by Quest Diagnostics Nichols Institute San Juan Capistrano); PubMed 33087888 (cited by Quest Diagnostics Nichols Institute San Juan Capistrano).

NM_007294.4(BRCA1):c.566A>G (p.Asp189Gly)

Gene: BRCA1 (BRCA1 DNA repair associated; minus strand). Cytogenetic location: 17q21.31.
Variant type: single nucleotide variant.
Coding change: c.566A>G on transcript NM_007294.4 (MANE Select); coding-DNA position 566, A replaced by G.
Protein change: p.Asp189Gly; replaces aspartic acid 189 with glycine.
Molecular consequence: missense variant. On other transcripts: non-coding transcript variant (1).
Genome position (GRCh38, 1-based): chr17:43,097,271, T>C on the plus strand (A>G on the coding strand, the complement: BRCA1 is on the minus strand). VCF-style: chr17-43097271-T-C. GRCh37 (hg19) VCF-style: chr17-41249288-T-C.
Other names: c.353A>G, p.Asp118Gly (NM_001407571.1, NM_001407853.1, NM_001407894.1 and 12 more transcripts); c.566A>G, p.Asp189Gly (NM_001407581.1, NM_001407582.1, NM_001407583.1 and 59 more transcripts); c.563A>G, p.Asp188Gly (NM_001407587.1, NM_001407590.1, NM_001407591.1 and 41 more transcripts); c.557A>G, p.Asp186Gly (NM_001407646.1, NM_001407647.1, NM_001408408.1); c.488A>G, p.Asp163Gly (NM_001407653.1, NM_001407654.1, NM_001407655.1 and 9 more transcripts); c.485A>G, p.Asp162Gly (NM_001407659.1, NM_001407660.1, NM_001407661.1 and 3 more transcripts); c.425A>G, p.Asp142Gly (NM_001407692.1, NM_001407694.1, NM_001407695.1 and 43 more transcripts); c.422A>G, p.Asp141Gly (NM_001407740.1, NM_001407741.1, NM_001407742.1 and 26 more transcripts); and 4 more; short protein forms D189G, D142G, D163G, D186G, D61G, D62G, D119G, D144G.
Identifiers: ClinVar variation 491179 (VCV000491179.28), dbSNP rs1555594067, ClinGen allele CA10600993.
Genomic context (GRCh38, chr17:43,097,271, plus strand): 5'-CAGCTTCATAGACAAAGGTTCTCTTTGACTCACCTGCAATAAGTTGCCTTATTAACGGTA[T>C]CTTCAGAAGAATCAGATCCTAAAAAATTTCCCCCCAAAAAATAAATCAATAAAAGTTTTC-3'
Protein context (NP_009225.1, residues 179-199): YIELGSDSSE[Asp189Gly]TVNKATYCSV